The following is an entry in ClinVar:

NM_033118.4(MYLK2):c.4G>A (p.Ala2Thr)

Gene: MYLK2 (myosin light chain kinase 2; plus strand). Cytogenetic location: 20q11.21.
Variant type: single nucleotide variant.
Coding change: c.4G>A on transcript NM_033118.4 (MANE Select); coding-DNA position 4, G replaced by A.
Protein change: p.Ala2Thr; replaces alanine 2 with threonine.
Molecular consequence: missense variant.
Genome position (GRCh38, 1-based): chr20:31,819,584, G>A. VCF-style: chr20-31819584-G-A. GRCh37 (hg19) VCF-style: chr20-30407387-G-A.
Other names: p.A2T:GCG>ACG; short protein forms A2T.
Identifiers: ClinVar variation 46526 (VCV000046526.51), dbSNP rs117502839, ClinGen allele CA138537.

ClinVar aggregate classification (germline): Conflicting classifications of pathogenicity. Review status: criteria provided, conflicting classifications (1 of 4 stars). 13 submissions from 13 submitters: Uncertain significance (2); Benign (1); Likely benign (7). 3 of the submissions do not count toward it. Last evaluated 2026-01-21.

Conditions:
MYLK2-related disorder. Also called: MYLK2-related condition.
Cardiomyopathy (CMYO). Also called: Cardiomyopathies. Identifiers: Orphanet 167848, MedGen C0878544, MONDO:0004994, HP:0001638. Inheritance: Various modes of inheritance.
Long QT syndrome (LQTS). Identifiers: MedGen C0023976, MeSH D008133, MONDO:0002442. Disease mechanism: loss of function. Inheritance: Various modes of inheritance.
Ventricular tachycardia. Identifiers: MedGen C0042514, MONDO:0005477, HP:0004756.
Hypertrophic cardiomyopathy 1 (CMH1). Also called: Familial hypertrophic cardiomyopathy 1; MYH7-Related Familial Hypertrophic Cardiomyopathy. Identifiers: MedGen C3495498, MONDO:0008647, OMIM 192600.

Allele frequency attached by ClinVar (database versions not stated): ExAC 0.00068; 1000 Genomes Project 30x 0.00078; ESP Exome Variant Server 0.00102; 1000 Genomes Project 0.00120; TOPMed 0.00140; gnomAD 0.00141 and 0.00143.

Submissions (13):

Labcorp Genetics (formerly Invitae), Labcorp
Classification: Likely benign for Hypertrophic cardiomyopathy 1. Last evaluated: 2026-01-21. Review status: criteria provided, single submitter. Criteria: Invitae Variant Classification Sherloc (09022015). Collection method: clinical testing. Allele origin: germline.

Laboratory of Genetics, Children's Clinical University Hospital Latvia
Classification: Likely benign. Last evaluated: 2025-02-16. Review status: criteria provided, single submitter. Criteria: ACMG Guidelines, 2015. Collection method: clinical testing. Allele origin: germline. Affected: yes.

ARUP Laboratories, Molecular Genetics and Genomics, ARUP Laboratories
Classification: Uncertain significance for Hypertrophic cardiomyopathy 1. Last evaluated: 2023-10-03. Review status: criteria provided, single submitter. Criteria: ARUP Molecular Germline Variant Investigation Process 2024. Collection method: clinical testing. Allele origin: germline.

CeGaT Center for Human Genetics Tuebingen
Classification: Likely benign. Last evaluated: 2023-03-01. Review status: criteria provided, single submitter. Criteria: CeGaT Center For Human Genetics Tuebingen Variant Classification Criteria Version 2. Collection method: clinical testing. Allele origin: germline. Affected: yes. Observed: 1 variant allele.
Comment: MYLK2: BS1

Women's Health and Genetics/Laboratory Corporation of America, LabCorp
Classification: Likely benign. Last evaluated: 2022-02-05. Review status: criteria provided, single submitter. Criteria: LabCorp Variant Classification Summary - May 2015. Collection method: clinical testing. Allele origin: germline.

GeneDx
Classification: Likely benign. Last evaluated: 2021-05-19. Review status: criteria provided, single submitter. Criteria: GeneDx Variant Classification Process June 2021. Collection method: clinical testing. Allele origin: germline. Affected: yes.
Comment: This variant is associated with the following publications: (PMID: 25188385, 26595808, 23861362, 26423924, 24503780)

CHEO Genetics Diagnostic Laboratory, Children's Hospital of Eastern Ontario
Classification: Benign for Cardiomyopathy. Last evaluated: 2020-12-31. Review status: criteria provided, single submitter. Criteria: ACMG Guidelines, 2015. Collection method: clinical testing. Allele origin: germline.

Center for Advanced Laboratory Medicine, UC San Diego Health, University of California San Diego
Classification: Likely benign for Ventricular tachycardia; Cardiomyopathy; Long QT Syndrome. Last evaluated: 2019-05-08. Review status: criteria provided, single submitter. Criteria: ACMG Guidelines, 2015. Collection method: clinical testing. Allele origin: germline. Affected: yes. Observed: 3 variant alleles.

Laboratory for Molecular Medicine, Mass General Brigham Personalized Medicine
Classification: Uncertain significance. Last evaluated: 2017-07-10. Review status: criteria provided, single submitter. Criteria: LMM Criteria. Collection method: clinical testing. Allele origin: germline. Observed: 5 variant alleles.
Comment: Variant classified as Uncertain Significance - Favor Benign. The p.Ala2Thr varia nt in MYLK2 has been identified by our laboratory in 1 adult with DCM, 1 adult w ith HCM, 1 child with biventricular hypertrophy and dysfunction, and 1 child wit h possible LVNC/DCM who also carried a pathogenic variant in MYH7. The p.Ala2Thr variant has also been identified in 0.2% (143/72280) of European chromosomes by the Genome Aggregation Database (gnomAD; dbSN P rs117502839). Arginine (Arg) at position 2 is not conserved in mice, which car ry a threonine (Thr) at this position, raising the possibility that this change may be tolerated. Additional computational prediction tools do not provide stron g support for or against an impact to the protein. In summary, while the clinic al significance of the p.Ala2Thr variant is uncertain, its frequency and lack of conservation in mice suggest that it is more likely to be benign.

Biesecker Lab/Clinical Genomics Section, National Institutes of Health
Classification: Likely benign. Last evaluated: 2013-06-24. Review status: criteria provided, single submitter. Criteria: Ng et al. (Circ Cardiovasc Genet. 2013). Collection method: research. Allele origin: unknown. Observed: 1 variant allele. Study: ClinSeq.
Comment: The study set was not selected for affection status in relation to any cancer. Pathogenicity categories were based on literature curation. See Pubmed ID:23861362 for details.

Medical sequencing

PreventionGenetics, part of Exact Sciences
Classification: Likely benign for MYLK2-related condition. Last evaluated: 2019-07-11. Review status: no assertion criteria provided. Collection method: clinical testing. Allele origin: germline. Not counted in ClinVar's aggregate classification.
Comment: This variant is classified as likely benign based on ACMG/AMP sequence variant interpretation guidelines (Richards et al. 2015 PMID: 25741868, with internal and published modifications).

Genome Diagnostics Laboratory, University Medical Center Utrecht
Classification: Likely benign. Review status: no assertion criteria provided. Collection method: clinical testing. Allele origin: germline. Affected: yes. Study: VKGL Data-share Consensus. Not counted in ClinVar's aggregate classification.

Joint Genome Diagnostic Labs from Nijmegen and Maastricht, Radboudumc and MUMC+
Classification: Likely benign. Review status: no assertion criteria provided. Collection method: clinical testing. Allele origin: germline. Affected: yes. Study: VKGL Data-share Consensus. Not counted in ClinVar's aggregate classification.